The following is an entry in ClinVar:

NM_018194.6(HHAT):c.1008-2191A>G

Gene: HHAT (hedgehog acyltransferase; plus strand). Cytogenetic location: 1q32.2.
Variant type: single nucleotide variant.
Coding change: c.1008-2191A>G on transcript NM_018194.6 (MANE Select); 2191 bases into the intron before coding-DNA position 1008, A replaced by G.
Molecular consequence: intron variant.
Genome position (GRCh38, 1-based): chr1:210,510,962, A>G. VCF-style: chr1-210510962-A-G. GRCh37 (hg19) VCF-style: chr1-210684306-A-G.
Other names: c.1008-2191A>G (NM_001122834.4, NM_001170580.3); c.597-2191A>G (NM_001170564.3); c.813-2191A>G (NM_001170588.3); c.1011-2191A>G (NM_001170587.3).
Identifiers: ClinVar variation 5018357 (VCV005018357.1).
Genomic context (GRCh38, chr1:210,510,962, plus strand): 5'-CGGAATAGAGTCTGTTGGTCTCTGTCGCTAATGTAATTGAAAAGGCTCTACAAGCTTTGG[A>G]TGAGTGAAGGAAGCTGAAATCTTTGTTTTAATCTACACATACTTCTACCTCCCATATTAT-3'

ClinVar aggregate classification (germline): Uncertain significance (1 of 4 stars; one submission).

gnomAD v4.1: 90 of 152,204 alleles (0.059%); highest among the groups gnomAD compares: African/African-American, 0.2%; no homozygotes.

Submission:

GeneDx
Classification: Uncertain significance. Last evaluated: 2026-04-08. Review status: criteria provided, single submitter. Criteria: GeneDx Variant Classification Process June 2021. Collection method: clinical testing. Allele origin: germline.
Comment: Has not been previously published as pathogenic or benign to our knowledge; In silico analysis suggests this variant may impact gene splicing. In the absence of RNA/functional studies, the actual effect of this sequence change is unknown.